The following is an entry in ClinVar:

NM_017565.4(FAM20A):c.1035G>A (p.Pro345=)

Genes: FAM20A (FAM20A golgi associated secretory pathway pseudokinase; minus strand), PRKAR1A (protein kinase cAMP-dependent type I regulatory subunit alpha; plus strand). Cytogenetic location: 17q24.2.
Variant type: single nucleotide variant.
Coding change: c.1035G>A on transcript NM_017565.4 (MANE Select); coding-DNA position 1035, G replaced by A.
Protein change: p.Pro345=; no amino-acid change (proline 345 retained).
Molecular consequence: synonymous variant. On other transcripts: non-coding transcript variant (1), intron variant (1).
Genome position (GRCh38, 1-based): chr17:68,542,059, C>T on the plus strand (G>A on the coding strand, the complement: FAM20A is on the minus strand). VCF-style: chr17-68542059-C-T. GRCh37 (hg19) VCF-style: chr17-66538200-C-T.
Other names: c.621G>A, p.Pro207= (NM_001243746.2); c.974-9025C>T (NM_001276290.1).
Identifiers: ClinVar variation 2148863 (VCV002148863.5), dbSNP rs529854620, ClinGen allele CA8729835.

ClinVar aggregate classification (germline): Likely benign. Review status: criteria provided, multiple submitters, no conflicts (2 of 4 stars). 3 submissions from 3 submitters: Likely benign (3). Last evaluated 2025-09-15.

Conditions:
FAM20A-related disorder. Also called: FAM20A-related condition.

Allele frequency attached by ClinVar (database versions not stated): gnomAD 0.00005; gnomAD exomes 0.00008; ExAC 0.00010; TOPMed 0.00006; 1000 Genomes Project 30x 0.00016; 1000 Genomes Project 0.00020.
gnomAD v4.1: 136 of 1,614,078 alleles (0.0084%); highest among the groups gnomAD compares: African/African-American, 0.0093%; no homozygotes.

Submissions (3):

PreventionGenetics, part of Exact Sciences
Classification: Likely benign for FAM20A-related condition. Last evaluated: 2025-09-15. Review status: criteria provided, single submitter. Criteria: ACMG Guidelines, 2015. Collection method: clinical testing. Allele origin: germline.
Comment: This variant is classified as likely benign based on ACMG/AMP sequence variant interpretation guidelines (Richards et al. 2015 PMID: 25741868, with internal and published modifications).

Blueprint Genetics
Classification: Likely benign. Last evaluated: 2024-08-06. Review status: criteria provided, single submitter. Criteria: ACMG Guidelines, 2015. Collection method: clinical testing. Allele origin: germline.

Labcorp Genetics (formerly Invitae), Labcorp
Classification: Likely benign. Last evaluated: 2023-02-03. Review status: criteria provided, single submitter. Criteria: Invitae Variant Classification Sherloc (09022015). Collection method: clinical testing. Allele origin: germline.